The following is an entry in ClinVar:

NM_006206.6(PDGFRA):c.2315C>A (p.Ser772Tyr)

Gene: PDGFRA (platelet derived growth factor receptor alpha; plus strand). Cytogenetic location: 4q12.
Variant type: single nucleotide variant.
Coding change: c.2315C>A on transcript NM_006206.6 (MANE Select); coding-DNA position 2315, C replaced by A.
Protein change: p.Ser772Tyr; replaces serine 772 with tyrosine.
Molecular consequence: missense variant.
Genome position (GRCh38, 1-based): chr4:54,280,474, C>A. VCF-style: chr4-54280474-C-A. GRCh37 (hg19) VCF-style: chr4-55146641-C-A.
Other names: c.2315C>A (NM_006206.4, NM_006206.5); c.2315C>A, p.Ser772Tyr (NM_001347827.2, NM_001347829.2); c.2390C>A, p.Ser797Tyr (NM_001347828.2); c.2354C>A, p.Ser785Tyr (NM_001347830.2); short protein forms S772Y, S785Y, S797Y.
Identifiers: ClinVar variation 1008045 (VCV001008045.12), dbSNP rs1577735147, ClinGen allele CA356894542.

ClinVar aggregate classification (germline): Conflicting classifications of pathogenicity. Review status: criteria provided, conflicting classifications (1 of 4 stars). 3 submissions from 3 submitters: Uncertain significance (2); Benign (1). Last evaluated 2025-10-18.

Conditions:
Hereditary cancer-predisposing syndrome. Also called: Neoplastic Syndromes, Hereditary; Hereditary Cancer Syndrome; Hereditary neoplastic syndrome; Tumor predisposition. Identifiers: Orphanet 140162, MedGen C0027672, MeSH D009386, MONDO:0015356.
Ovarian cancer. Also called: OVARIAN CANCER, SOMATIC. Identifiers: Orphanet 213500, MedGen C1140680, MONDO:0008170, OMIM 167000.
Gastrointestinal stromal tumor. Also called: Gastrointestinal stromal tumor, somatic; Gastrointestinal stroma tumor. Identifiers: Orphanet 44890, MedGen C0238198, MeSH D046152, MONDO:0011719, OMIM 606764, HP:0100723.

Allele frequency attached by ClinVar (database versions not stated): gnomAD 0.00001.
gnomAD v4.1: 4 of 1,612,466 alleles (0.00025%); highest among the groups gnomAD compares: East Asian, 0.0067%; no homozygotes.

Submissions (3):

Labcorp Genetics (formerly Invitae), Labcorp
Classification: Uncertain significance for Gastrointestinal stromal tumor. Last evaluated: 2025-10-18. Review status: criteria provided, single submitter. Criteria: Invitae Variant Classification Sherloc (09022015). Collection method: clinical testing. Allele origin: germline.
Comment: This sequence change replaces serine, which is neutral and polar, with tyrosine, which is neutral and polar, at codon 772 of the PDGFRA protein (p.Ser772Tyr). This variant is not present in population databases (gnomAD no frequency). This variant has not been reported in the literature in individuals affected with PDGFRA-related conditions. ClinVar contains an entry for this variant (Variation ID: 1008045). Invitae Evidence Modeling of protein sequence and biophysical properties (such as structural, functional, and spatial information, amino acid conservation, physicochemical variation, residue mobility, and thermodynamic stability) indicates that this missense variant is not expected to disrupt PDGFRA protein function with a negative predictive value of 80%. Experimental studies are conflicting or provide insufficient evidence to determine the effect of this variant on PDGFRA function (PMID: 20972453). In summary, the available evidence is currently insufficient to determine the role of this variant in disease. Therefore, it has been classified as a Variant of Uncertain Significance.

Ambry Genetics
Classification: Uncertain significance for Hereditary cancer-predisposing syndrome. Last evaluated: 2025-07-21. Review status: criteria provided, single submitter. Criteria: Ambry Variant Classification Scheme 2023. Collection method: clinical testing. Allele origin: germline.
Comment: The p.S772Y variant (also known as c.2315C>A), located in coding exon 15 of the PDGFRA gene, results from a C to A substitution at nucleotide position 2315. The serine at codon 772 is replaced by tyrosine, an amino acid with dissimilar properties. This amino acid position is well conserved in available vertebrate species. In addition, this alteration is predicted to be tolerated by in silico analysis. Based on the available evidence, the clinical significance of this variant remains unclear.

Laboratory of Molecular Epidemiology of Birth Defects, West China Second University Hospital, Sichuan University
Classification: Benign for Ovarian cancer. Last evaluated: 2022-01-01. Review status: criteria provided, single submitter. Criteria: ACMG Guidelines, 2015. Collection method: clinical testing. Allele origin: germline. Affected: yes.

Literature cited by the submitters: PubMed 20972453 (cited by Labcorp Genetics (formerly Invitae), Labcorp).